The following is an entry in ClinVar:

ClinVar aggregate classification (germline): Uncertain significance (1 of 4 stars; one submission).

Conditions:
Inborn genetic diseases. Identifiers: MedGen C0950123, MeSH D030342.

Submission:

Ambry Genetics
Classification: Uncertain significance for Inborn genetic diseases. Last evaluated: 2025-11-04. Review status: criteria provided, single submitter. Criteria: Ambry Variant Classification Scheme 2023. Collection method: clinical testing. Allele origin: germline.
Comment: The p.G253A variant (also known as c.758G>C), located in coding exon 6 of the FANCG gene, results from a G to C substitution at nucleotide position 758. The glycine at codon 253 is replaced by alanine, an amino acid with similar properties. This amino acid position is conserved. In addition, this alteration is predicted to be tolerated by in silico analysis. Based on the available evidence, the clinical significance of this variant remains unclear.

NM_004629.2(FANCG):c.758G>C (p.Gly253Ala)

Gene: FANCG (FA complementation group G; minus strand). Cytogenetic location: 9p13.3.
Variant type: single nucleotide variant.
Coding change: c.758G>C on transcript NM_004629.2 (MANE Select); coding-DNA position 758, G replaced by C.
Protein change: p.Gly253Ala; replaces glycine 253 with alanine.
Molecular consequence: missense variant.
Genome position (GRCh38, 1-based): chr9:35,076,990, C>G on the plus strand (G>C on the coding strand, the complement: FANCG is on the minus strand). VCF-style: chr9-35076990-C-G. GRCh37 (hg19) VCF-style: chr9-35076987-C-G.
Other names: short protein forms G253A.
Identifiers: ClinVar variation 4619386 (VCV004619386.1).